The following is an entry in ClinVar:

ClinVar aggregate classification (germline): Uncertain significance (1 of 4 stars; one submission).

gnomAD v4.1: 5 of 1,614,080 alleles (0.00031%); highest among the groups gnomAD compares: East Asian, 0.0022%; no homozygotes.

Submission:

Labcorp Genetics (formerly Invitae), Labcorp
Classification: Uncertain significance. Last evaluated: 2024-09-18. Review status: criteria provided, single submitter. Criteria: Invitae Variant Classification Sherloc (09022015). Collection method: clinical testing. Allele origin: germline.
Comment: This sequence change replaces arginine, which is basic and polar, with cysteine, which is neutral and slightly polar, at codon 375 of the ACVR1 protein (p.Arg375Cys). This variant is present in population databases (rs751000395, gnomAD 0.002%). This variant has not been reported in the literature in individuals affected with ACVR1-related conditions. An algorithm developed to predict the effect of missense changes on protein structure and function (PolyPhen-2) suggests that this variant is likely to be disruptive. This variant disrupts the p.Arg375 amino acid residue in ACVR1. Other variant(s) that disrupt this residue have been determined to be pathogenic (PMID: 19085907, 22977237, 34854557). This suggests that this residue is clinically significant, and that variants that disrupt this residue are likely to be disease-causing. In summary, the available evidence is currently insufficient to determine the role of this variant in disease. Therefore, it has been classified as a Variant of Uncertain Significance.

Literature cited by the submitters: PubMed 19085907; PubMed 22977237; PubMed 34854557.

NM_001111067.4(ACVR1):c.1123C>T (p.Arg375Cys)

Gene: ACVR1 (activin A receptor type 1; minus strand). Cytogenetic location: 2q24.1.
Variant type: single nucleotide variant.
Coding change: c.1123C>T on transcript NM_001111067.4 (MANE Select); coding-DNA position 1123, C replaced by T.
Protein change: p.Arg375Cys; replaces arginine 375 with cysteine.
Molecular consequence: missense variant.
Genome position (GRCh38, 1-based): chr2:157,761,021, G>A on the plus strand (C>T on the coding strand, the complement: ACVR1 is on the minus strand). VCF-style: chr2-157761021-G-A. GRCh37 (hg19) VCF-style: chr2-158617533-G-A.
Other names: c.1123C>T, p.Arg375Cys (NM_001105.5, NM_001347663.1, NM_001347664.1 and 3 more transcripts); short protein forms R375C.
Identifiers: ClinVar variation 3692529 (VCV003692529.2).
Genomic context (GRCh38, chr2:157,761,021, plus strand): 5'-AATCCACCTGGATGGTTTCATCTAGAACTTCGGGGGCCATGTAGCGCTTGGTGCCCACAC[G>A]GGGATTGTTCCCCACATCAAGCTGATTGGTGCTCTGGGAATGCATGACTGCCAGGCCTGA-3'
Protein context (NP_001104537.1, residues 365-385): TNQLDVGNNP[Arg375Cys]VGTKRYMAPE